The following is an entry in ClinVar:

ClinVar aggregate classification (germline): Uncertain significance (1 of 4 stars; one submission).

Conditions:
Cardiomyopathy (CMYO). Also called: Cardiomyopathies. Identifiers: Orphanet 167848, MedGen C0878544, MONDO:0004994, HP:0001638. Inheritance: Various modes of inheritance.

Submission:

Color Diagnostics, LLC DBA Color Health
Classification: Uncertain significance for Cardiomyopathy. Last evaluated: 2024-07-26. Review status: criteria provided, single submitter. Criteria: ACMG Guidelines, 2015. Collection method: clinical testing. Allele origin: germline.
Comment: This missense variant replaces threonine with serine at codon 174 of the PRKAG2 protein. Computational prediction suggests that this variant may not impact protein structure and function (internally defined REVEL score threshold <= 0.5, PMID: 27666373). To our knowledge, functional studies have not been reported for this variant. This variant has not been reported in individuals affected with PRKAG2-related disorders in the literature. This variant has not been identified in the general population by the Genome Aggregation Database (gnomAD). The available evidence is insufficient to determine the role of this variant in disease conclusively. Therefore, this variant is classified as a Variant of Uncertain Significance.

NM_016203.4(PRKAG2):c.520A>T (p.Thr174Ser)

Gene: PRKAG2 (protein kinase AMP-activated non-catalytic subunit gamma 2; minus strand). Cytogenetic location: 7q36.1.
Variant type: single nucleotide variant.
Coding change: c.520A>T on transcript NM_016203.4 (MANE Select); coding-DNA position 520, A replaced by T.
Protein change: p.Thr174Ser; replaces threonine 174 with serine.
Molecular consequence: missense variant. On other transcripts: intron variant (5).
Genome position (GRCh38, 1-based): chr7:151,675,584, T>A on the plus strand (A>T on the coding strand, the complement: PRKAG2 is on the minus strand). VCF-style: chr7-151675584-T-A. GRCh37 (hg19) VCF-style: chr7-151372670-T-A.
Other names: c.388A>T, p.Thr130Ser (NM_001040633.2, NM_001407024.1, NM_001407026.1 and 1 more transcripts); c.148A>T, p.Thr50Ser (NM_001304527.2, NM_001363698.2, NM_001407028.1 and 1 more transcripts); c.520A>T, p.Thr174Ser (NM_001407021.1, NM_001407022.1, NM_001407023.1); c.202A>T, p.Thr68Ser (NM_001407032.1); c.467-80133A>T (NM_001407031.1); c.467-80130A>T (NM_001407030.1); c.361-43446A>T (NM_001407033.1); c.94+60316A>T (NM_001407037.1); and 1 more; short protein forms T130S, T174S, T50S, T68S.
Identifiers: ClinVar variation 3894019 (VCV003894019.1).